The following is an entry in ClinVar:

ClinVar aggregate classification (germline): Pathogenic (1 of 4 stars; one submission).

Conditions:
Neuronal ceroid lipofuscinosis. Also called: Neuronal Ceroid Lipofuscinoses. Identifiers: Orphanet 216, Orphanet 79263, MedGen C0027877, MONDO:0016295. Disease mechanism: loss of function.

Submission:

Labcorp Genetics (formerly Invitae), Labcorp
Classification: Pathogenic for Neuronal ceroid lipofuscinosis. Last evaluated: 2024-01-04. Review status: criteria provided, single submitter. Criteria: Invitae Variant Classification Sherloc (09022015). Collection method: clinical testing. Allele origin: germline.
Comment: This sequence change creates a premature translational stop signal (p.Leu200Argfs*30) in the CLN3 gene. It is expected to result in an absent or disrupted protein product. Loss-of-function variants in CLN3 are known to be pathogenic (PMID: 9311735, 28542676). This variant is not present in population databases (gnomAD no frequency). This variant has not been reported in the literature in individuals affected with CLN3-related conditions. For these reasons, this variant has been classified as Pathogenic.

Literature cited by the submitters: PubMed 9311735; PubMed 28542676.

NM_001042432.2(CLN3):c.599_615del (p.Leu200fs)

Gene: CLN3 (CLN3 lysosomal/endosomal transmembrane protein, battenin; minus strand). Cytogenetic location: 16p12.1.
Variant type: Deletion.
Coding change: c.599_615del on transcript NM_001042432.2 (MANE Select); coding-DNA positions 599 to 615, 17 bases deleted (TGGGCCTCACCCAGGCC).
Protein change: p.Leu200fs; shifts the reading frame from leucine 200.
Molecular consequence: frameshift variant.
Genome position (GRCh38, 1-based): chr16:28,486,409-28,486,425, GGCCTGGGTGAGGCCCA deleted on the plus strand (TGGGCCTCACCCAGGCC on the coding strand, the reverse complement: CLN3 is on the minus strand); deleting any 17 consecutive bases within chr16:28,486,409-28,486,427 gives the same sequence; the c. name uses the placement nearest the transcript's 3' end. VCF-style (leftmost placement, unchanged base first): chr16-28486408-CGGCCTGGGTGAGGCCCA-C. GRCh37 (hg19) VCF-style: chr16-28497729-CGGCCTGGGTGAGGCCCA-C.
Other names: c.599_615del, p.Leu200fs (NM_000086.2); c.527_543del, p.Leu176fs (NM_001286104.2); c.299_315del, p.Leu100fs (NM_001286105.2); c.365_381del, p.Leu122fs (NM_001286109.2); c.437_453del, p.Leu146fs (NM_001286110.2); short protein forms L100fs, L146fs, L122fs, L176fs, L200fs.
Identifiers: ClinVar variation 2707326 (VCV002707326.3), dbSNP rs2506481950, ClinGen allele CA2697555761.
Genomic context (GRCh38, chr16:28,486,408, plus strand): 5'-TGGCCAGCAGCAGGGCAGGGATACCCAGCATGGACAGCAGGGTCTGCTGAGGGGAGAGGC[CGGCCTGGGTGAGGCCCA>C]GGTAGGACAGGGCCCCCAGCAGCCCAGCTCCCCCAGTCCCTGAGGACCACCAGGAGATCA-3'